The following is an entry in ClinVar:

ClinVar aggregate classification (germline): Uncertain significance (1 of 4 stars; one submission).

Conditions:
TUB-related disorder. Also called: TUB-related condition.

Submission:

PreventionGenetics, part of Exact Sciences
Classification: Uncertain significance for TUB-related condition. Last evaluated: 2026-04-02. Review status: criteria provided, single submitter. Criteria: ACMG Guidelines, 2015. Collection method: clinical testing. Allele origin: germline.
Comment: The TUB c.1321_1323delinsGGT variant is predicted to result in an in-frame deletion and insertion. To our knowledge, this variant has not been reported in the literature or in a large population database (gnomAD), indicating this variant is rare. At this time, the clinical significance of this variant is uncertain due to the absence of conclusive functional and genetic evidence.

NM_177972.3(TUB):c.1156_1158delinsGGT (p.Ser386Gly)

Genes: RIC3 (RIC3 acetylcholine receptor chaperone; minus strand), TUB (TUB bipartite transcription factor; plus strand). Cytogenetic location: 11p15.4.
Variant type: Indel.
Coding change: c.1156_1158delinsGGT on transcript NM_177972.3 (MANE Select); coding-DNA positions 1156 to 1158, AGC replaced by GGT.
Protein change: p.Ser386Gly; replaces serine 386 with glycine.
Molecular consequence: missense variant.
Genome position (GRCh38, 1-based): chr11:8,100,542-8,100,544, AGC replaced by GGT. VCF-style: chr11-8100542-AGC-GGT. GRCh37 (hg19) VCF-style: chr11-8122089-AGC-GGT.
Other names: c.1321_1323delinsGGT, p.Ser441Gly (NM_003320.5); short protein forms S386G, S441G.
Identifiers: ClinVar variation 3355750 (VCV003355750.2).
Genomic context (GRCh38, chr11:8,100,542, plus strand): 5'-GTGTTGCGTTCTCTTTCCCAGGAGACAAACGTCTTAGGCTTCAAGGGGCCTCGGAAGATG[AGC>GGT]GTGATTGTCCCAGGCATGAACATGGTTCATGAGAGAGTCTCTATCCGCCCCCGCAACGTG-3'
Protein context (NP_813977.1, residues 376-396): VLGFKGPRKM[Ser386Gly]VIVPGMNMVH